The following is an entry in ClinVar:

NC_000002.12:g.11677686G>C

Gene: LPIN1 (lipin 1; plus strand). Cytogenetic location: 2p25.1.
Variant type: single nucleotide variant.
Molecular consequence: missense variant (on NM_001261428.3).
Genome position: GRCh38 VCF-style: chr2-11677686-G-C. GRCh37 (hg19) VCF-style: chr2-11817812-G-C.
Other names: c.39G>C, p.Glu13Asp (NM_001261428.3, NM_001349207.2, NM_001349208.2); short protein forms E13D.
Identifiers: ClinVar variation 403044 (VCV000403044.9), dbSNP rs4669769, ClinGen allele CA1533287.

ClinVar aggregate classification (germline): Benign. Review status: criteria provided, multiple submitters, no conflicts (2 of 4 stars). 4 submissions from 4 submitters: Benign (4). Last evaluated 2021-08-19.

Conditions:
Myoglobinuria, acute recurrent, autosomal recessive. Also called: MYOGLOBINURIA, FAMILIAL PAROXYSMAL PARALYTIC; RHABDOMYOLYSIS, ACUTE RECURRENT; Myoglobinuria, recurrent, autosomal recessive. Identifiers: Orphanet 99845, MedGen C1849386, MONDO:0009992, OMIM 268200.

Allele frequency attached by ClinVar (database versions not stated): 1000 Genomes Project 0.48642; gnomAD exomes 0.60593 and 0.64493; TOPMed 0.53830; gnomAD 0.55243 and 0.55034; ExAC 0.63226; 1000 Genomes Project 30x 0.48517.
gnomAD v4.1: 974,578 of 1,535,318 alleles (63%); highest among the groups gnomAD compares: Non-Finnish European, 66%; 315,062 homozygotes.

Submissions (4):

Genome-Nilou Lab
Classification: Benign for Myoglobinuria, acute recurrent, autosomal recessive. Last evaluated: 2021-08-19. Review status: criteria provided, single submitter. Criteria: ACMG Guidelines, 2015. Collection method: clinical testing. Allele origin: germline. Affected: no.

GeneDx
Classification: Benign. Last evaluated: 2018-06-14. Review status: criteria provided, single submitter. Criteria: GeneDx Variant Classification (06012015). Collection method: clinical testing. Allele origin: germline. Affected: yes.
Comment: This variant is considered likely benign or benign based on one or more of the following criteria: it is a conservative change, it occurs at a poorly conserved position in the protein, it is predicted to be benign by multiple in silico algorithms, and/or has population frequency not consistent with disease.

Laboratory for Molecular Medicine, Mass General Brigham Personalized Medicine
Classification: Benign. Last evaluated: 2016-03-28. Review status: criteria provided, single submitter. Criteria: LMM Criteria. Collection method: clinical testing. Allele origin: germline.
Comment: Variant identified in a genome or exome case(s) and assessed due to predicted null impact of the variant or pathogenic assertions in the literature or databases. Disclaimer: This variant has not undergone full assessment. The following are preliminary notes: Frequency

Breakthrough Genomics
Classification: Benign. Review status: criteria provided, single submitter. Criteria: ACMG Guidelines, 2015. Collection method: not provided. Allele origin: germline. Inheritance: Autosomal recessive inheritance. Affected: yes.